The following is an entry in ClinVar:

ClinVar aggregate classification (germline): Uncertain significance (1 of 4 stars; one submission).

Submission:

Ambry Genetics
Classification: Uncertain significance. Last evaluated: 2021-06-08. Review status: criteria provided, single submitter. Criteria: Ambry Variant Classification Scheme 2023. Collection method: clinical testing. Allele origin: germline.
Comment: The p.Q368R variant (also known as c.1103A>G), located in coding exon 6 of the GALNT12 gene, results from an A to G substitution at nucleotide position 1103. The glutamine at codon 368 is replaced by arginine, an amino acid with highly similar properties. This amino acid position is not well conserved in available vertebrate species. In addition, this alteration is predicted to be tolerated by in silico analysis. Since supporting evidence is limited at this time, the clinical significance of this alteration remains unclear.

NM_024642.5(GALNT12):c.1103A>G (p.Gln368Arg)

Gene: GALNT12 (polypeptide N-acetylgalactosaminyltransferase 12; plus strand). Cytogenetic location: 9q22.33.
Variant type: single nucleotide variant.
Coding change: c.1103A>G on transcript NM_024642.5 (MANE Select); coding-DNA position 1103, A replaced by G.
Protein change: p.Gln368Arg; replaces glutamine 368 with arginine.
Molecular consequence: missense variant.
Genome position (GRCh38, 1-based): chr9:98,837,039, A>G. VCF-style: chr9-98837039-A-G. GRCh37 (hg19) VCF-style: chr9-101599321-A-G.
Other names: short protein forms Q368R.
Identifiers: ClinVar variation 1792956 (VCV001792956.2), dbSNP rs2490533018, ClinGen allele CA374219800.